The following is an entry in ClinVar:

ClinVar aggregate classification (germline): Uncertain significance. Review status: criteria provided, multiple submitters, no conflicts (2 of 4 stars). 2 submissions from 2 submitters: Uncertain significance (2). Last evaluated 2024-06-07.

Conditions:
Fraser syndrome 1 (FRASRS1). Also called: CRYPTOPHTHALMOS WITH OTHER MALFORMATIONS. Identifiers: Orphanet 2052, MedGen C4551480, MONDO:0054737, OMIM 219000.

Allele frequency attached by ClinVar (database versions not stated): gnomAD exomes below 0.00001; TOPMed below 0.00001.
gnomAD v4.1: 8 of 1,611,440 alleles (0.0005%); highest among the groups gnomAD compares: Middle Eastern, 0.033%; no homozygotes.

Submissions (2):

Fulgent Genetics
Classification: Uncertain significance for Fraser syndrome 1. Last evaluated: 2024-06-07. Review status: criteria provided, single submitter. Criteria: ACMG Guidelines, 2015. Collection method: clinical testing. Allele origin: germline.

Labcorp Genetics (formerly Invitae), Labcorp
Classification: Uncertain significance. Last evaluated: 2022-03-04. Review status: criteria provided, single submitter. Criteria: Invitae Variant Classification Sherloc (09022015). Collection method: clinical testing. Allele origin: germline.
Comment: This sequence change replaces glycine, which is neutral and non-polar, with arginine, which is basic and polar, at codon 756 of the FRAS1 protein (p.Gly756Arg). This variant is present in population databases (no rsID available, gnomAD no frequency). This variant has not been reported in the literature in individuals affected with FRAS1-related conditions. Algorithms developed to predict the effect of missense changes on protein structure and function are either unavailable or do not agree on the potential impact of this missense change (SIFT: "Deleterious"; PolyPhen-2: "Possibly Damaging"; Align-GVGD: "Class C0"). In summary, the available evidence is currently insufficient to determine the role of this variant in disease. Therefore, it has been classified as a Variant of Uncertain Significance.

NM_025074.7(FRAS1):c.2266G>C (p.Gly756Arg)

Gene: FRAS1 (Fraser extracellular matrix complex subunit 1; plus strand). Cytogenetic location: 4q21.21.
Variant type: single nucleotide variant.
Coding change: c.2266G>C on transcript NM_025074.7 (MANE Select); coding-DNA position 2266, G replaced by C.
Protein change: p.Gly756Arg; replaces glycine 756 with arginine.
Molecular consequence: missense variant.
Genome position (GRCh38, 1-based): chr4:78,333,400, G>C. VCF-style: chr4-78333400-G-C. GRCh37 (hg19) VCF-style: chr4-79254554-G-C.
Other names: c.2266G>C, p.Gly756Arg (NM_001166133.2); short protein forms G756R.
Identifiers: ClinVar variation 1948089 (VCV001948089.3), dbSNP rs1362075500, ClinGen allele CA357369659.